The following is an entry in ClinVar:

NM_001723.7(DST):c.7846G>T (p.Glu2616Ter)

Gene: DST (dystonin; minus strand). Cytogenetic location: 6p12.1.
Variant type: single nucleotide variant.
Coding change: c.7846G>T on transcript NM_001723.7 (MANE Plus Clinical); coding-DNA position 7846, G replaced by T.
Protein change: p.Glu2616Ter; replaces glutamic acid 2616 with a stop codon.
Molecular consequence: nonsense. On other transcripts: intron variant (10).
Genome position (GRCh38, 1-based): chr6:56,615,621, C>A on the plus strand (G>T on the coding strand, the complement: DST is on the minus strand). VCF-style: chr6-56615621-C-A. GRCh37 (hg19) VCF-style: chr6-56480419-C-A.
Other names: c.4831-1137G>T (NM_001144769.5); c.4930-1137G>T (NM_001374722.1, NM_001374736.1); c.4957-1137G>T (NM_001374734.1); c.4417-1137G>T (NM_001144770.2); c.4297-1137G>T (NM_001374730.1, NM_001386100.1, NM_183380.4 and 1 more transcripts); c.3319-1137G>T (NM_015548.5); short protein forms E2616*.
Identifiers: ClinVar variation 1039189 (VCV001039189.7), dbSNP rs2098606270, ClinGen allele CA364562115.

ClinVar aggregate classification (germline): Uncertain significance (1 of 4 stars; one submission).

Conditions:
Hereditary sensory and autonomic neuropathy type 6. Also called: Neuropathy, hereditary sensory and autonomic, type VI; HSAN VI. Identifiers: Orphanet 314381, MedGen C3539003, MONDO:0013839, OMIM 614653.
Epidermolysis bullosa simplex 3, localized or generalized intermediate, with BP230 deficiency (EBS3). Also called: Epidermolysis bullosa simplex, autosomal recessive 2; Epidermolysis bullosa simplex due to BP230 deficiency. Identifiers: Orphanet 412181, MedGen C3809470, MONDO:0014180, OMIM 615425.

Submission:

Labcorp Genetics (formerly Invitae), Labcorp
Classification: Uncertain significance for Epidermolysis bullosa simplex 3, localized or generalized intermediate, with BP230 deficiency; Hereditary sensory and autonomic neuropathy type 6. Last evaluated: 2020-08-08. Review status: criteria provided, single submitter. Criteria: Invitae Variant Classification Sherloc (09022015). Collection method: clinical testing. Allele origin: germline.
Comment: This variant has not been reported in the literature in individuals with DST-related conditions. This variant is not present in population databases (ExAC no frequency). This sequence change results in a premature translational stop signal in the DST gene (p.Glu2616*). While this is not anticipated to result in nonsense mediated decay, it is expected to disrupt the last 34 amino acids of the DST protein. Experimental studies and prediction algorithms are not available or were not evaluated, and the functional significance of this variant is currently unknown. In summary, the available evidence is currently insufficient to determine the role of this variant in disease. Therefore, it has been classified as a Variant of Uncertain Significance.